The following is an entry in ClinVar:

NC_000004.11:g.(?_15972690)_(16228080_?)del

Genes: PROM1 (prominin 1; minus strand), TAPT1 (transmembrane anterior posterior transformation 1; minus strand). Cytogenetic location: 4p15.32.
Variant type: Deletion.
Identifiers: ClinVar variation 3246778 (VCV003246778.1).

ClinVar aggregate classification (germline): Pathogenic (1 of 4 stars; one submission).

Submission:

Labcorp Genetics (formerly Invitae), Labcorp
Classification: Pathogenic. Last evaluated: 2023-04-22. Review status: criteria provided, single submitter. Criteria: Invitae Variant Classification Sherloc (09022015). Collection method: clinical testing. Allele origin: unknown.
Comment: For these reasons, this variant has been classified as Pathogenic. This variant has not been reported in the literature in individuals affected with TAPT1-related conditions. A gross deletion of the genomic region encompassing the full coding sequence of the TAPT1 gene has been identified. Loss-of-function variants in TAPT1 are known to be pathogenic (PMID: 26365339, 32058062). The boundaries of this event are unknown as they extend beyond the assayed region for this gene and therefore may encompass additional genes.

Literature cited by the submitters: PubMed 26365339; PubMed 32058062.